The following is an entry in ClinVar:

NM_001369.3(DNAH5):c.850C>T (p.Arg284Ter)

Gene: DNAH5 (dynein axonemal heavy chain 5; minus strand). Cytogenetic location: 5p15.2.
Variant type: single nucleotide variant.
Coding change: c.850C>T on transcript NM_001369.3 (MANE Select); coding-DNA position 850, C replaced by T.
Protein change: p.Arg284Ter; replaces arginine 284 with a stop codon.
Molecular consequence: nonsense.
Genome position (GRCh38, 1-based): chr5:13,919,301, G>A on the plus strand (C>T on the coding strand, the complement: DNAH5 is on the minus strand). VCF-style: chr5-13919301-G-A. GRCh37 (hg19) VCF-style: chr5-13919410-G-A.
Other names: c.850C>T (NM_001369.2); short protein forms R284*.
Identifiers: ClinVar variation 1402806 (VCV001402806.7), dbSNP rs777361601, ClinGen allele CA359219175.

ClinVar aggregate classification (germline): Pathogenic/Likely pathogenic. Review status: criteria provided, multiple submitters, no conflicts (2 of 4 stars). 2 submissions from 2 submitters: Pathogenic (1); Likely pathogenic (1). Last evaluated 2025-06-05.

Conditions:
Primary ciliary dyskinesia. Also called: Ciliary dyskinesia. Identifiers: Orphanet 244, MedGen C0008780, MONDO:0016575, HP:0012265.

Allele frequency attached by ClinVar (database versions not stated): TOPMed below 0.00001.

Submissions (2):

Natera, Inc.
Classification: Likely pathogenic for Primary ciliary dyskinesia. Last evaluated: 2025-06-05. Review status: criteria provided, single submitter. Criteria: Natera Variant Classification Schema (03/2026). Collection method: clinical testing. Allele origin: germline.
Comment: The c.850C>T variant in DNAH5 is a nonsense variant predicted to introduce a stop codon at amino acid 284. This variant is expected to result in nonsense mediated decay, truncation, or a dysfunctional protein product. This variant is rare in the general population with a frequency below the threshold expected for the associated phenotype(s). Given the available evidence, this variant is classified as Likely Pathogenic.

Labcorp Genetics (formerly Invitae), Labcorp
Classification: Pathogenic for Primary ciliary dyskinesia. Last evaluated: 2023-12-19. Review status: criteria provided, single submitter. Criteria: Invitae Variant Classification Sherloc (09022015). Collection method: clinical testing. Allele origin: germline.
Comment: This sequence change creates a premature translational stop signal (p.Arg284*) in the DNAH5 gene. It is expected to result in an absent or disrupted protein product. Loss-of-function variants in DNAH5 are known to be pathogenic (PMID: 11788826, 16627867). This variant is not present in population databases (gnomAD no frequency). This variant has not been reported in the literature in individuals affected with DNAH5-related conditions. ClinVar contains an entry for this variant (Variation ID: 1402806). For these reasons, this variant has been classified as Pathogenic.

Literature cited by the submitters: PubMed 11788826 (cited by Labcorp Genetics (formerly Invitae), Labcorp); PubMed 16627867 (cited by Labcorp Genetics (formerly Invitae), Labcorp).